The following is an entry in ClinVar:

NM_005518.4(HMGCS2):c.874C>A (p.Leu292Ile)

Gene: HMGCS2 (3-hydroxy-3-methylglutaryl-CoA synthase 2; minus strand). Cytogenetic location: 1p12.
Variant type: single nucleotide variant.
Coding change: c.874C>A on transcript NM_005518.4 (MANE Select); coding-DNA position 874, C replaced by A.
Protein change: p.Leu292Ile; replaces leucine 292 with isoleucine.
Molecular consequence: missense variant.
Genome position (GRCh38, 1-based): chr1:119,757,415, G>T on the plus strand (C>A on the coding strand, the complement: HMGCS2 is on the minus strand). VCF-style: chr1-119757415-G-T. GRCh37 (hg19) VCF-style: chr1-120300038-G-T.
Other names: c.748C>A, p.Leu250Ile (NM_001166107.1); short protein forms L292I, L250I.
Identifiers: ClinVar variation 1462822 (VCV001462822.8), dbSNP rs769844821, ClinGen allele CA341860858.

ClinVar aggregate classification (germline): Uncertain significance (1 of 4 stars; one submission).

Conditions:
3-hydroxy-3-methylglutaryl-CoA synthase deficiency (HMGCS2D). Also called: HMG-CoA synthase-2 deficiency; HMGCS2 DEFICIENCY; MITOCHONDRIAL HMG-CoA SYNTHASE DEFICIENCY. Identifiers: Orphanet 35701, MedGen C2751532, MONDO:0011614, OMIM 605911.

Submission:

Labcorp Genetics (formerly Invitae), Labcorp
Classification: Uncertain significance for 3-hydroxy-3-methylglutaryl-CoA synthase deficiency. Last evaluated: 2020-11-10. Review status: criteria provided, single submitter. Criteria: Invitae Variant Classification Sherloc (09022015). Collection method: clinical testing. Allele origin: germline.
Comment: This sequence change replaces leucine with isoleucine at codon 292 of the HMGCS2 protein (p.Leu292Ile). The leucine residue is highly conserved and there is a small physicochemical difference between leucine and isoleucine. This variant is not present in population databases (ExAC no frequency). This variant has not been reported in the literature in individuals with HMGCS2-related conditions. Algorithms developed to predict the effect of missense changes on protein structure and function are either unavailable or do not agree on the potential impact of this missense change (SIFT: "Deleterious"; PolyPhen-2: "Possibly Damaging"; Align-GVGD: "Class C0"). In summary, the available evidence is currently insufficient to determine the role of this variant in disease. Therefore, it has been classified as a Variant of Uncertain Significance.